The following is an entry in ClinVar:

NM_025114.4(CEP290):c.4087C>T (p.Arg1363Trp)

Gene: CEP290 (centrosomal protein 290; minus strand). Cytogenetic location: 12q21.32.
Variant type: single nucleotide variant.
Coding change: c.4087C>T on transcript NM_025114.4 (MANE Select); coding-DNA position 4087, C replaced by T.
Protein change: p.Arg1363Trp; replaces arginine 1363 with tryptophan.
Molecular consequence: missense variant.
Genome position (GRCh38, 1-based): chr12:88,087,887, G>A on the plus strand (C>T on the coding strand, the complement: CEP290 is on the minus strand). VCF-style: chr12-88087887-G-A. GRCh37 (hg19) VCF-style: chr12-88481664-G-A.
Other names: short protein forms R1363W.
Identifiers: ClinVar variation 310603 (VCV000310603.65), dbSNP rs181121175, ClinGen allele CA6712028.

ClinVar aggregate classification (germline): Conflicting classifications of pathogenicity. Review status: criteria provided, conflicting classifications (1 of 4 stars). 13 submissions from 9 submitters: Uncertain significance (9); Benign (1); Likely benign (1). 2 of the submissions do not count toward it. Last evaluated 2026-01-14.

Conditions:
Kidney disorder. Also called: Kidney disease; Kidney Diseases; renal disorder; Nephropathy; renal disease. Identifiers: MedGen C0022658, MONDO:0005240, HP:0000112.
Bardet-Biedl syndrome 14 (BBS14). Identifiers: Orphanet 110, MedGen C2673874, MONDO:0014442, OMIM 615991.
Senior-Loken syndrome 6 (SLSN6). Identifiers: Orphanet 3156, MedGen C1857779, MONDO:0012433, OMIM 610189.
Leber congenital amaurosis 10 (LCA10). Identifiers: Orphanet 65, MedGen C1857821, MONDO:0012723, OMIM 611755.
Joubert syndrome 5 (JBTS5). Identifiers: Orphanet 2318, MedGen C1857780, MONDO:0012432, OMIM 610188.
CEP290-related disorder. Also called: CEP290-related disorders; CEP290-related condition. Identifiers: MedGen CN239314.
Joubert syndrome. Also called: JOUBERT-BOLTSHAUSER SYNDROME; Familial aplasia of the vermis. Identifiers: Orphanet 475, MedGen C5979921, MONDO:0018772.
Nephronophthisis. Also called: Juvenile Nephronophthisis. Identifiers: Orphanet 655, MedGen C0687120, MONDO:0019005, HP:0000090.
Meckel-Gruber syndrome. Also called: GRUBER SYNDROME; DYSENCEPHALIA SPLANCHNOCYSTICA; Dysencephalia splachnocystica. Identifiers: Orphanet 564, MedGen C0265215, MONDO:0018921.
Retinal dystrophy. Also called: Inherited retinal dystrophy. Identifiers: Orphanet 71862, MedGen C0854723, MeSH D058499, MONDO:0019118, HP:0000556.
Meckel syndrome, type 4 (MKS4). Also called: MECKEL-GRUBER SYNDROME, TYPE 4. Identifiers: Orphanet 564, MedGen C1970161, MONDO:0012626, OMIM 611134.
Leber congenital amaurosis (LCA). Also called: Leber's amaurosis. Identifiers: Orphanet 65, MedGen C0339527, MeSH D057130, MONDO:0018998.

Allele frequency attached by ClinVar (database versions not stated): ESP Exome Variant Server 0.00017; TOPMed 0.00029; 1000 Genomes Project 30x 0.00062; 1000 Genomes Project 0.00080.
gnomAD v4.1: 651 of 1,232,452 alleles (0.053%); highest among the groups gnomAD compares: Non-Finnish European, 0.018%; 2 homozygotes.

Submissions (13):

Labcorp Genetics (formerly Invitae), Labcorp
Classification: Benign for Joubert syndrome; Meckel-Gruber syndrome; Nephronophthisis. Last evaluated: 2026-01-14. Review status: criteria provided, single submitter. Criteria: Invitae Variant Classification Sherloc (09022015). Collection method: clinical testing. Allele origin: germline.

Blueprint Genetics
Classification: Likely benign. Last evaluated: 2024-11-25. Review status: criteria provided, single submitter. Criteria: ACMG Guidelines, 2015. Collection method: clinical testing. Allele origin: germline.

Dept Of Ophthalmology, Nagoya University
Classification: Uncertain significance for Retinal dystrophy. Last evaluated: 2023-10-01. Review status: criteria provided, single submitter. Criteria: Submitter's publication. Collection method: research. Allele origin: germline. Affected: yes.

GeneDx
Classification: Uncertain significance. Last evaluated: 2023-04-20. Review status: criteria provided, single submitter. Criteria: GeneDx Variant Classification Process June 2021. Collection method: clinical testing. Allele origin: germline. Affected: yes.
Comment: Observed with another variant in CEP290 in patient with Senior-Loken syndrome in published literature, but is it not known whether the variants occurred on the same (in cis) or on different (in trans) chromosomes (Wang et al., 2023); In silico analysis supports that this missense variant has a deleterious effect on protein structure/function; This variant is associated with the following publications: (PMID: 36990420)

Illumina Laboratory Services, Illumina
Classification: Uncertain significance for Senior-Loken syndrome 6. Last evaluated: 2018-01-12. Review status: criteria provided, single submitter. Criteria: ICSL Variant Classification Criteria 13 December 2019. Collection method: clinical testing. Allele origin: germline.

Illumina Laboratory Services, Illumina
Classification: Uncertain significance for Joubert syndrome 5. Last evaluated: 2018-01-12. Review status: criteria provided, single submitter. Criteria: ICSL Variant Classification Criteria 13 December 2019. Collection method: clinical testing. Allele origin: germline.

Illumina Laboratory Services, Illumina
Classification: Uncertain significance for Meckel syndrome, type 4. Last evaluated: 2018-01-12. Review status: criteria provided, single submitter. Criteria: ICSL Variant Classification Criteria 13 December 2019. Collection method: clinical testing. Allele origin: germline.

Illumina Laboratory Services, Illumina
Classification: Uncertain significance for Leber congenital amaurosis 10. Last evaluated: 2018-01-12. Review status: criteria provided, single submitter. Criteria: ICSL Variant Classification Criteria 13 December 2019. Collection method: clinical testing. Allele origin: germline.

Illumina Laboratory Services, Illumina
Classification: Uncertain significance for Bardet-Biedl syndrome 14. Last evaluated: 2018-01-12. Review status: criteria provided, single submitter. Criteria: ICSL Variant Classification Criteria 13 December 2019. Collection method: clinical testing. Allele origin: germline.

Genome Diagnostics Laboratory, The Hospital for Sick Children
Classification: Uncertain significance for Kidney disorder. Last evaluated: 2016-12-12. Review status: criteria provided, single submitter. Criteria: ACMG Guidelines, 2015. Collection method: clinical testing. Allele origin: germline.

CeGaT Center for Human Genetics Tuebingen
Classification: Uncertain significance. Last evaluated: 2016-06-01. Review status: criteria provided, single submitter. Criteria: CeGaT Center For Human Genetics Tuebingen Variant Classification Criteria Version 2. Collection method: clinical testing. Allele origin: germline. Affected: yes. Observed: 1 variant allele.

PreventionGenetics, part of Exact Sciences
Classification: Likely benign for CEP290-related condition. Last evaluated: 2020-10-19. Review status: no assertion criteria provided. Collection method: clinical testing. Allele origin: germline. Not counted in ClinVar's aggregate classification.
Comment: This variant is classified as likely benign based on ACMG/AMP sequence variant interpretation guidelines (Richards et al. 2015 PMID: 25741868, with internal and published modifications).

Natera, Inc.
Classification: Uncertain significance for Leber congenital amaurosis. Last evaluated: 2020-04-17. Review status: no assertion criteria provided. Collection method: clinical testing. Allele origin: germline. Not counted in ClinVar's aggregate classification.